The following is an entry in ClinVar:

ClinVar aggregate classification (germline): Uncertain significance (1 of 4 stars; one submission).

Submission:

Ambry Genetics
Classification: Uncertain significance. Last evaluated: 2026-01-12. Review status: criteria provided, single submitter. Criteria: Ambry Variant Classification Scheme 2023. Collection method: clinical testing. Allele origin: germline.
Comment: The c.848C>G (p.P283R) alteration is located in coding exon 6 of the UPF1 gene. This alteration results from a C to G substitution at nucleotide position 848, causing the proline (P) at amino acid position 283 to be replaced by an arginine (R). This variant was not reported in population-based cohorts in the Genome Aggregation Database (gnomAD). This amino acid position is highly conserved in available vertebrate species. This missense alteration is located in a region that has a low rate of benign missense variation (Lek, 2016; Firth, 2009). This alteration is predicted to be deleterious by in silico analysis. Based on insufficient or conflicting evidence, the clinical significance of this alteration remains unclear.

NM_002911.4(UPF1):c.848C>G (p.Pro283Arg)

Gene: UPF1 (UPF1 RNA helicase and ATPase; plus strand). Cytogenetic location: 19p13.11.
Variant type: single nucleotide variant.
Coding change: c.848C>G on transcript NM_002911.4 (MANE Select); coding-DNA position 848, C replaced by G.
Protein change: p.Pro283Arg; replaces proline 283 with arginine.
Molecular consequence: missense variant.
Genome position (GRCh38, 1-based): chr19:18,852,172, C>G. VCF-style: chr19-18852172-C-G. GRCh37 (hg19) VCF-style: chr19-18962981-C-G.
Other names: c.848C>G, p.Pro283Arg (NM_001297549.2); short protein forms P283R.
Identifiers: ClinVar variation 4830866 (VCV004830866.1).